The following is an entry in ClinVar:

NM_005689.4(ABCB6):c.971-2A>G

Gene: ABCB6 (ATP binding cassette subfamily B member 6 (LAN blood group); minus strand). Cytogenetic location: 2q35.
Variant type: single nucleotide variant.
Coding change: c.971-2A>G on transcript NM_005689.4 (MANE Select); the canonical splice acceptor site of the intron before coding-DNA position 971, A replaced by G.
Molecular consequence: splice acceptor variant.
Genome position (GRCh38, 1-based): chr2:219,216,182, T>C on the plus strand (A>G on the coding strand, the complement: ABCB6 is on the minus strand). VCF-style: chr2-219216182-T-C. GRCh37 (hg19) VCF-style: chr2-220080904-T-C.
Other names: c.833-2A>G (NM_001349828.2).
Identifiers: ClinVar variation 3727920 (VCV003727920.2).

ClinVar aggregate classification (germline): Uncertain significance (1 of 4 stars; one submission).

Submission:

Labcorp Genetics (formerly Invitae), Labcorp
Classification: Uncertain significance. Last evaluated: 2024-12-24. Review status: criteria provided, single submitter. Criteria: Invitae Variant Classification Sherloc (09022015). Collection method: clinical testing. Allele origin: germline.
Comment: This sequence change affects an acceptor splice site in intron 4 of the ABCB6 gene. It is expected to disrupt RNA splicing. Variants that disrupt the donor or acceptor splice site typically lead to a loss of protein function (PMID: 16199547), however the current clinical and genetic evidence is not sufficient to establish whether loss-of-function variants in ABCB6 cause disease. This variant is not present in population databases (gnomAD no frequency). This variant has not been reported in the literature in individuals affected with ABCB6-related conditions. Algorithms developed to predict the effect of sequence changes on RNA splicing suggest that this variant may disrupt the consensus splice site. In summary, the available evidence is currently insufficient to determine the role of this variant in disease. Therefore, it has been classified as a Variant of Uncertain Significance.

Literature cited by the submitters: PubMed 16199547.